The following is an entry in ClinVar:

NM_015268.4(DNAJC13):c.2979+3A>G

Gene: DNAJC13 (DnaJ heat shock protein family (Hsp40) member C13; plus strand). Cytogenetic location: 3q22.1.
Variant type: single nucleotide variant.
Coding change: c.2979+3A>G on transcript NM_015268.4 (MANE Select); 3 bases into the intron after coding-DNA position 2979, A replaced by G.
Molecular consequence: intron variant.
Genome position (GRCh38, 1-based): chr3:132,482,333, A>G. VCF-style: chr3-132482333-A-G. GRCh37 (hg19) VCF-style: chr3-132201177-A-G.
Other names: c.2994+3A>G (NM_001329126.2).
Identifiers: ClinVar variation 728942 (VCV000728942.6), dbSNP rs75803244, ClinGen allele CA2619153.

ClinVar aggregate classification (germline): Benign. Review status: criteria provided, single submitter (1 of 4 stars). 2 submissions from 2 submitters: Benign (1). 1 of the submissions does not count toward it. Last evaluated 2019-12-31.

Conditions:
DNAJC13-related disorder. Also called: DNAJC13-related condition.

Allele frequency attached by ClinVar (database versions not stated): gnomAD exomes 0.00154; ExAC 0.00196; gnomAD 0.00565 and 0.00601; 1000 Genomes Project 0.00639; TOPMed 0.00640; ESP Exome Variant Server 0.00646; 1000 Genomes Project 30x 0.00671.
gnomAD v4.1: 1,698 of 1,611,736 alleles (0.11%); highest among the groups gnomAD compares: African/African-American, 1.9%; 19 homozygotes.

Submissions (2):

Labcorp Genetics (formerly Invitae), Labcorp
Classification: Benign. Last evaluated: 2019-12-31. Review status: criteria provided, single submitter. Criteria: Invitae Variant Classification Sherloc (09022015). Collection method: clinical testing. Allele origin: germline.

PreventionGenetics, part of Exact Sciences
Classification: Benign for DNAJC13-related condition. Last evaluated: 2019-06-03. Review status: no assertion criteria provided. Collection method: clinical testing. Allele origin: germline. Not counted in ClinVar's aggregate classification.
Comment: This variant is classified as benign based on ACMG/AMP sequence variant interpretation guidelines (Richards et al. 2015 PMID: 25741868, with internal and published modifications).